The following is an entry in ClinVar:

NM_000059.4(BRCA2):c.5840C>T (p.Pro1947Leu)

Gene: BRCA2 (BRCA2 DNA repair associated; plus strand). Cytogenetic location: 13q13.1.
Variant type: single nucleotide variant.
Coding change: c.5840C>T on transcript NM_000059.4 (MANE Select); coding-DNA position 5840, C replaced by T.
Protein change: p.Pro1947Leu; replaces proline 1947 with leucine.
Molecular consequence: missense variant.
Genome position (GRCh38, 1-based): chr13:32,340,195, C>T. VCF-style: chr13-32340195-C-T. GRCh37 (hg19) VCF-style: chr13-32914332-C-T.
Other names: short protein forms P1947L.
Identifiers: ClinVar variation 216252 (VCV000216252.10), dbSNP rs863224595, ClinGen allele CA336367.

ClinVar aggregate classification (germline): Conflicting classifications of pathogenicity. Review status: criteria provided, conflicting classifications (1 of 4 stars). 3 submissions from 3 submitters: Uncertain significance (2); Likely benign (1). Last evaluated 2023-08-08.

Conditions:
Hereditary cancer-predisposing syndrome. Also called: Tumor predisposition; Hereditary Cancer Syndrome; Neoplastic Syndromes, Hereditary; Hereditary neoplastic syndrome. Identifiers: Orphanet 140162, MedGen C0027672, MeSH D009386, MONDO:0015356.
Hereditary breast ovarian cancer syndrome. Also called: Hereditary breast and/or ovarian cancer syndrome; BRCA1- and BRCA2-Associated Hereditary Breast and Ovarian Cancer; Hereditary breast and ovarian cancer; Hereditary breast and ovarian cancer syndrome (HBOC); Breast and ovarian cancer; Hereditary breast and ovarian cancer syndrome. Identifiers: Orphanet 145, MedGen C0677776, MeSH D061325, MONDO:0003582. Disease mechanism: loss of function.
Breast-ovarian cancer, familial, susceptibility to, 2 (BROVCA2). Also called: BRCA2 Hereditary Breast and Ovarian Cancer. Identifiers: Orphanet 145, MedGen C2675520, MONDO:0012933, OMIM 612555. Disease mechanism: loss of function.

Submissions (3):

All of Us Research Program, National Institutes of Health
Classification: Uncertain significance for Breast-ovarian cancer, familial, susceptibility to, 2. Last evaluated: 2023-08-08. Review status: criteria provided, single submitter. Criteria: ACMG Guidelines, 2015. Collection method: clinical testing. Allele origin: germline. Inheritance: Autosomal dominant inheritance. Observed: 1 variant allele, 1 heterozygote.
Comment: This missense variant replaces proline with leucine at codon 1947 of the BRCA2 protein. Computational prediction suggests that this variant may not impact protein structure and function (internally defined REVEL score threshold <= 0.5, PMID: 27666373). To our knowledge, functional studies have not been reported for this variant. This variant has not been reported in individuals affected with BRCA2-related disorders in the literature. This variant has not been identified in the general population by the Genome Aggregation Database (gnomAD). The available evidence is insufficient to determine the role of this variant in disease conclusively. Therefore, this variant is classified as a Variant of Uncertain Significance.

This study involves interpretation of variants in research participants for the purpose of population health screening. Participant phenotype was not available at the time of variant classification. Additional details can be found in publication PMID: 35346344, PMCID: PMC8962531

University of Washington Department of Laboratory Medicine, University of Washington
Classification: Likely benign for Hereditary cancer-predisposing syndrome. Last evaluated: 2023-03-23. Review status: criteria provided, single submitter. Criteria: Dines et al. (Genet Med. 2020). Collection method: curation. Allele origin: germline.
Comment: Missense variant in a coldspot region where missense variants are very unlikely to be pathogenic (PMID:31911673).

BRCA2 exon 11 coldspot. Reclassification based on statistical prior probability.

Labcorp Genetics (formerly Invitae), Labcorp
Classification: Uncertain significance for Hereditary breast ovarian cancer syndrome. Last evaluated: 2015-06-22. Review status: criteria provided, single submitter. Criteria: Invitae Variant Classification Sherloc (09022015). Collection method: clinical testing. Allele origin: germline.
Comment: In summary, this is a novel missense change that is not predicted to affect protein function or cause disease. However the evidence is insufficient at this time to prove that conclusively. It has been classified as a Variant of Uncertain Significance. Algorithms developed to predict the effect of missense changes on protein structure and function (SIFT, PolyPhen-2, Align-GVGD) all suggest that this variant is likely to be tolerated, but these predictions have not been confirmed by published functional studies. This variant has not been published in the literature and is not present in population databases. This sequence change replaces proline with leucine at codon 1947 of the BRCA2 protein (p.Pro1947Leu). The proline residue is weakly conserved and there is a moderate physicochemical difference between proline and leucine.